The following is an entry in ClinVar:

NM_172107.4(KCNQ2):c.642G>A (p.Arg214=)

Gene: KCNQ2 (potassium voltage-gated channel subfamily Q member 2; minus strand). Cytogenetic location: 20q13.33.
Variant type: single nucleotide variant.
Coding change: c.642G>A on transcript NM_172107.4 (MANE Select); coding-DNA position 642, G replaced by A.
Protein change: p.Arg214=; no amino-acid change (arginine 214 retained).
Molecular consequence: synonymous variant.
Genome position (GRCh38, 1-based): chr20:63,444,707, C>T on the plus strand (G>A on the coding strand, the complement: KCNQ2 is on the minus strand). VCF-style: chr20-63444707-C-T. GRCh37 (hg19) VCF-style: chr20-62076060-C-T.
Other names: c.642G>A, p.Arg214= (NM_004518.6, NM_172106.3, NM_172108.5 and 1 more transcripts).
Identifiers: ClinVar variation 509499 (VCV000509499.9), dbSNP rs778319589, ClinGen allele CA9958771.

ClinVar aggregate classification (germline): Likely benign. Review status: criteria provided, multiple submitters, no conflicts (2 of 4 stars). 2 submissions from 2 submitters: Likely benign (2). Last evaluated 2024-12-02.

Conditions:
Early-infantile DEE. Also called: Early infantile epileptic encephalopathy with suppression bursts; Ohtahara syndrome; Early infantile epileptic encephalopathy. Identifiers: Orphanet 1934, MedGen C0393706, MONDO:0800491.

Allele frequency attached by ClinVar (database versions not stated): TOPMed below 0.00001; gnomAD 0.00001; ExAC 0.00002.

Submissions (2):

Labcorp Genetics (formerly Invitae), Labcorp
Classification: Likely benign for Early-infantile DEE. Last evaluated: 2024-12-02. Review status: criteria provided, single submitter. Criteria: Invitae Variant Classification Sherloc (09022015). Collection method: clinical testing. Allele origin: germline.

GeneDx
Classification: Likely benign. Last evaluated: 2017-05-08. Review status: criteria provided, single submitter. Criteria: GeneDx Variant Classification (06012015). Collection method: clinical testing. Allele origin: germline. Affected: yes.
Comment: This variant is considered likely benign or benign based on one or more of the following criteria: it is a conservative change, it occurs at a poorly conserved position in the protein, it is predicted to be benign by multiple in silico algorithms, and/or has population frequency not consistent with disease.